The following is an entry in ClinVar:

NM_000264.5(PTCH1):c.2180G>C (p.Cys727Ser)

Genes: PTCH1 (patched 1; minus strand), LOC100507346 (uncharacterized LOC100507346; plus strand). Cytogenetic location: 9q22.32.
Variant type: single nucleotide variant.
Coding change: c.2180G>C on transcript NM_000264.5 (MANE Select); coding-DNA position 2180, G replaced by C.
Protein change: p.Cys727Ser; replaces cysteine 727 with serine.
Molecular consequence: missense variant. On other transcripts: non-coding transcript variant (2).
Genome position (GRCh38, 1-based): chr9:95,468,821, C>G on the plus strand (G>C on the coding strand, the complement: PTCH1 is on the minus strand). VCF-style: chr9-95468821-C-G. GRCh37 (hg19) VCF-style: chr9-98231103-C-G.
Other names: c.1982G>C, p.Cys661Ser (NM_001083602.3); c.2177G>C, p.Cys726Ser (NM_001083603.3); c.1727G>C, p.Cys576Ser (NM_001083604.3, NM_001083605.3, NM_001083606.3 and 1 more transcripts); c.2024G>C, p.Cys675Ser (NM_001354918.2); short protein forms C576S, C661S, C675S, C726S, C727S.
Identifiers: ClinVar variation 3230974 (VCV003230974.1), dbSNP rs2118030105, ClinGen allele CA374115427.

ClinVar aggregate classification (germline): Uncertain significance (1 of 4 stars; one submission).

Conditions:
Hereditary cancer-predisposing syndrome. Also called: Neoplastic Syndromes, Hereditary; Tumor predisposition; Hereditary neoplastic syndrome; Hereditary Cancer Syndrome. Identifiers: Orphanet 140162, MedGen C0027672, MeSH D009386, MONDO:0015356.

Submission:

Ambry Genetics
Classification: Uncertain significance for Hereditary cancer-predisposing syndrome. Last evaluated: 2023-10-22. Review status: criteria provided, single submitter. Criteria: Ambry Variant Classification Scheme 2023. Collection method: clinical testing. Allele origin: germline.
Comment: The p.C727S variant (also known as c.2180G>C), located in coding exon 14 of the PTCH1 gene, results from a G to C substitution at nucleotide position 2180. The cysteine at codon 727 is replaced by serine, an amino acid with dissimilar properties. This amino acid position is conserved. In addition, the in silico prediction for this alteration is inconclusive. Since supporting evidence is limited at this time, the clinical significance of this alteration remains unclear.